The following is an entry in ClinVar:

ClinVar aggregate classification (germline): Likely pathogenic (1 of 4 stars; one submission).

Conditions:
Marfan syndrome (MFS). Also called: FBN1-Related Marfan Syndrome; MARFAN SYNDROME, TYPE I; Marfan syndrome type 1; Marfan's syndrome; Marfan syndrome, classic. Identifiers: Orphanet 284963, Orphanet 558, MedGen C0024796, MONDO:0007947, OMIM 154700.
Familial thoracic aortic aneurysm and aortic dissection (TAAD). Also called: Thoracic aortic aneurysms and dissections. Identifiers: Orphanet 91387, MedGen C4707243, MONDO:0019625.

Submission:

Labcorp Genetics (formerly Invitae), Labcorp
Classification: Likely pathogenic for Marfan syndrome; Familial thoracic aortic aneurysm and aortic dissection. Last evaluated: 2025-02-04. Review status: criteria provided, single submitter. Criteria: Invitae Variant Classification Sherloc (09022015). Collection method: clinical testing. Allele origin: germline.
Comment: This sequence change replaces glycine, which is neutral and non-polar, with serine, which is neutral and polar, at codon 234 of the FBN1 protein (p.Gly234Ser). This variant is not present in population databases (gnomAD no frequency). This variant has not been reported in the literature in individuals affected with FBN1-related conditions. Invitae Evidence Modeling of protein sequence and biophysical properties (such as structural, functional, and spatial information, amino acid conservation, physicochemical variation, residue mobility, and thermodynamic stability) indicates that this missense variant is expected to disrupt FBN1 protein function with a positive predictive value of 95%. This variant disrupts the p.Gly234 amino acid residue in FBN1. Other variant(s) that disrupt this residue have been determined to be pathogenic (internal data). This suggests that this residue is clinically significant, and that variants that disrupt this residue are likely to be disease-causing. In summary, the currently available evidence indicates that the variant is pathogenic, but additional data are needed to prove that conclusively. Therefore, this variant has been classified as Likely Pathogenic.

NM_000138.5(FBN1):c.700G>A (p.Gly234Ser)

Gene: FBN1 (fibrillin 1; minus strand). Cytogenetic location: 15q21.1.
Variant type: single nucleotide variant.
Coding change: c.700G>A on transcript NM_000138.5 (MANE Select); coding-DNA position 700, G replaced by A.
Protein change: p.Gly234Ser; replaces glycine 234 with serine.
Molecular consequence: missense variant.
Genome position (GRCh38, 1-based): chr15:48,537,647, C>T on the plus strand (G>A on the coding strand, the complement: FBN1 is on the minus strand). VCF-style: chr15-48537647-C-T. GRCh37 (hg19) VCF-style: chr15-48829844-C-T.
Other names: c.700G>A, p.Gly234Ser (NM_001406716.1, NM_001406717.1); short protein forms G234S.
Identifiers: ClinVar variation 4789674 (VCV004789674.1).